The following is an entry in ClinVar:

ClinVar aggregate classification (germline): Likely benign (0 of 4 stars; one submission).

Conditions:
CLPTM1-related disorder. Also called: CLPTM1-related condition.

Submission:

PreventionGenetics, part of Exact Sciences
Classification: Likely benign for CLPTM1-related condition. Last evaluated: 2021-08-04. Review status: no assertion criteria provided. Collection method: clinical testing. Allele origin: germline.
Comment: This variant is classified as likely benign based on ACMG/AMP sequence variant interpretation guidelines (Richards et al. 2015 PMID: 25741868, with internal and published modifications).

NM_001294.4(CLPTM1):c.198C>T (p.Ile66=)

Gene: CLPTM1 (CLPTM1 regulator of GABA type A receptor forward trafficking; plus strand). Cytogenetic location: 19q13.32.
Variant type: single nucleotide variant.
Coding change: c.198C>T on transcript NM_001294.4 (MANE Select); coding-DNA position 198, C replaced by T.
Protein change: p.Ile66=; no amino-acid change (isoleucine 66 retained).
Molecular consequence: synonymous variant. On other transcripts: 5 prime UTR variant (1).
Genome position (GRCh38, 1-based): chr19:44,973,099, C>T. VCF-style: chr19-44973099-C-T. GRCh37 (hg19) VCF-style: chr19-45476356-C-T.
Other names: c.156C>T, p.Ile52= (NM_001282175.2); c.-109C>T (NM_001282176.2).
Identifiers: ClinVar variation 3029011 (VCV003029011.2), dbSNP rs2513598212, ClinGen allele CA507798290.